The following is an entry in ClinVar:

NM_000558.5(HBA1):c.198_202del (p.Leu67fs)

Genes: HBA1 (hemoglobin subunit alpha 1; plus strand), LOC106804613 (hemoglobin subunit alpha 1 recombination region; plus strand). Cytogenetic location: 16p13.3.
Variant type: Deletion.
Coding change: c.198_202del on transcript NM_000558.5 (MANE Select); coding-DNA positions 198 to 202, 5 bases deleted (GCTGA; older notation c.198_202delGCTGA).
Protein change: p.Leu67fs; shifts the reading frame from leucine 67.
Molecular consequence: frameshift variant.
Genome position (GRCh38, 1-based): chr16:177,031-177,035, GCTGA deleted. VCF-style (leftmost placement, unchanged base first): chr16-177030-CGCTGA-C. GRCh37 (hg19) VCF-style: chr16-227029-CGCTGA-C.
Other names: short protein forms L67fs.
Identifiers: ClinVar variation 4814386 (VCV004814386.1).

ClinVar aggregate classification (germline): Likely pathogenic (1 of 4 stars; one submission).

Conditions:
alpha Thalassemia. Also called: Alpha thalassemia spectrum. Identifiers: Orphanet 846, MedGen C0002312, MONDO:0011399, OMIM 604131.

Submission:

Natera, Inc.
Classification: Likely pathogenic for Alpha thalassemia. Last evaluated: 2025-12-11. Review status: criteria provided, single submitter. Criteria: Natera Variant Classification Schema (03/2026). Collection method: clinical testing. Allele origin: germline.
Comment: The c.198_202del variant in HBA1 is a frameshift variant predicted to elongate the protein beyond the termination codon. This variant is expected to result in nonsense mediated decay, truncation, or a dysfunctional protein product. This variant is rare in the general population with a frequency below the threshold expected for the associated phenotype(s). Given the available evidence, this variant is classified as Likely Pathogenic.